The following is an entry in ClinVar:

NM_004870.4(MPDU1):c.43C>T (p.Pro15Ser)

Genes: MPDU1-AS1 (MPDU1 antisense RNA 1; minus strand), MPDU1 (mannose-P-dolichol utilization defect 1; plus strand). Cytogenetic location: 17p13.1.
Variant type: single nucleotide variant.
Coding change: c.43C>T on transcript NM_004870.4 (MANE Select); coding-DNA position 43, C replaced by T.
Protein change: p.Pro15Ser; replaces proline 15 with serine.
Molecular consequence: missense variant. On other transcripts: non-coding transcript variant (1).
Genome position (GRCh38, 1-based): chr17:7,583,905, C>T. VCF-style: chr17-7583905-C-T. GRCh37 (hg19) VCF-style: chr17-7487223-C-T.
Other names: c.43C>T, p.Pro15Ser (NM_001330073.1); short protein forms P15S.
Identifiers: ClinVar variation 325513 (VCV000325513.49), dbSNP rs148935720, ClinGen allele CA8352805.

ClinVar aggregate classification (germline): Conflicting classifications of pathogenicity. Review status: criteria provided, conflicting classifications (1 of 4 stars). 5 submissions from 5 submitters: Uncertain significance (3); Likely benign (2). Last evaluated 2025-06-12.

Conditions:
MPDU1-congenital disorder of glycosylation. Also called: CONGENITAL DISORDER OF GLYCOSYLATION, TYPE If; CDG If; MPDU1-CDG. Identifiers: Orphanet 79323, MedGen C1836669, MONDO:0012211, OMIM 609180.

Allele frequency attached by ClinVar (database versions not stated): gnomAD exomes 0.00011 and 0.00031; ExAC 0.00037; gnomAD 0.00108 and 0.00116; TOPMed 0.00133; ESP Exome Variant Server 0.00146; 1000 Genomes Project 30x 0.00187; 1000 Genomes Project 0.00220.
gnomAD v4.1: 336 of 1,614,196 alleles (0.021%); highest among the groups gnomAD compares: African/African-American, 0.42%; no homozygotes.

Submissions (5):

Labcorp Genetics (formerly Invitae), Labcorp
Classification: Likely benign for MPDU1-congenital disorder of glycosylation. Last evaluated: 2025-06-12. Review status: criteria provided, single submitter. Criteria: Invitae Variant Classification Sherloc (09022015). Collection method: clinical testing. Allele origin: germline.

Women's Health and Genetics/Laboratory Corporation of America, LabCorp
Classification: Uncertain significance. Last evaluated: 2023-12-13. Review status: criteria provided, single submitter. Criteria: LabCorp Variant Classification Summary - May 2015. Collection method: clinical testing. Allele origin: germline.
Comment: Variant summary: MPDU1 c.43C>T (p.Pro15Ser) results in a non-conservative amino acid change in the encoded protein sequence. Four of five in-silico tools predict a benign effect of the variant on protein function. The variant allele was found at a frequency of 0.00031 in 251320 control chromosomes (gnomAD). To our knowledge, no occurrence of c.43C>T in individuals affected with Congenital Disorder Of Glycosylation, Type I and no experimental evidence demonstrating its impact on protein function have been reported. Four submitters have cited clinical-significance assessments for this variant to ClinVar after 2014 and classified the variant as VUS (n=2) or likely benign (n=2). Based on the evidence outlined above, the variant was classified as uncertain significance.

CeGaT Center for Human Genetics Tuebingen
Classification: Uncertain significance. Last evaluated: 2022-08-01. Review status: criteria provided, single submitter. Criteria: CeGaT Center For Human Genetics Tuebingen Variant Classification Criteria Version 2. Collection method: clinical testing. Allele origin: germline. Affected: yes. Observed: 1 variant allele.

Illumina Laboratory Services, Illumina
Classification: Uncertain significance for MPDU1-congenital disorder of glycosylation. Last evaluated: 2018-01-13. Review status: criteria provided, single submitter. Criteria: ICSL Variant Classification Criteria 13 December 2019. Collection method: clinical testing. Allele origin: germline.

Center for Pediatric Genomic Medicine, Children's Mercy Hospital and Clinics
Classification: Likely benign. Last evaluated: 2016-12-28. Review status: criteria provided, single submitter. Criteria: ACMG Guidelines, 2015. Collection method: clinical testing. Allele origin: germline.
ClinVar note: Converted during submission from Likely Benign to Likely benign.